The following is an entry in ClinVar:

ClinVar aggregate classification (germline): Pathogenic. Review status: reviewed by expert panel (3 of 4 stars). 5 submissions from 5 submitters: Pathogenic (1). 4 of the submissions do not count toward it. Last evaluated 2016-09-08.

Conditions:
Hereditary breast ovarian cancer syndrome. Also called: Hereditary breast and ovarian cancer syndrome (HBOC); Hereditary breast and ovarian cancer syndrome; Hereditary breast and ovarian cancer; Hereditary breast and/or ovarian cancer syndrome; Breast and ovarian cancer; BRCA1- and BRCA2-Associated Hereditary Breast and Ovarian Cancer. Identifiers: Orphanet 145, MedGen C0677776, MeSH D061325, MONDO:0003582. Disease mechanism: loss of function.
Breast-ovarian cancer, familial, susceptibility to, 1 (BROVCA1). Also called: OVARIAN CANCER, SUSCEPTIBILITY TO; BRCA1 Hereditary Breast and Ovarian Cancer. Identifiers: Orphanet 145, MedGen C2676676, MONDO:0011450, OMIM 604370. Disease mechanism: loss of function.

Submissions (5):

Evidence-based Network for the Interpretation of Germline Mutant Alleles (ENIGMA)
Classification: Pathogenic for Breast-ovarian cancer, familial, susceptibility to, 1. Last evaluated: 2016-09-08. Review status: reviewed by expert panel. Criteria: ENIGMA BRCA1/2 Classification Criteria (2015). Collection method: curation. Allele origin: germline.
Comment: Variant allele predicted to encode a truncated non-functional protein.

Consortium of Investigators of Modifiers of BRCA1/2 (CIMBA), c/o University of Cambridge
Classification: Pathogenic for Breast-ovarian cancer, familial, susceptibility to, 1. Last evaluated: 2015-10-02. Review status: criteria provided, single submitter. Criteria: CIMBA Mutation Classification guidelines May 2016. Collection method: clinical testing. Allele origin: germline. Not counted in ClinVar's aggregate classification.

Research Molecular Genetics Laboratory, Women's College Hospital, University of Toronto
Classification: Pathogenic for Hereditary breast ovarian cancer syndrome. Last evaluated: 2014-01-31. Review status: no assertion criteria provided. Collection method: research. Allele origin: germline. Affected: yes. Study: The Canadian Open Genetics Repository (COGR). Not counted in ClinVar's aggregate classification.

Sharing Clinical Reports Project (SCRP)
Classification: Pathogenic for Breast-ovarian cancer, familial 1. Last evaluated: 2010-08-02. Review status: no assertion criteria provided. Collection method: clinical testing. Allele origin: germline. Not counted in ClinVar's aggregate classification.

Breast Cancer Information Core (BIC) (BRCA1)
Classification: Pathogenic for Breast-ovarian cancer, familial 1. Last evaluated: 2004-05-19. Review status: no assertion criteria provided. Collection method: clinical testing. Allele origin: germline. Affected: yes. Observed: 2 variant alleles. Not counted in ClinVar's aggregate classification.

NM_007294.4(BRCA1):c.2410C>T (p.Gln804Ter)

Gene: BRCA1 (BRCA1 DNA repair associated; minus strand). Cytogenetic location: 17q21.31.
Variant type: single nucleotide variant.
Coding change: c.2410C>T on transcript NM_007294.4 (MANE Select); coding-DNA position 2410, C replaced by T.
Protein change: p.Gln804Ter; replaces glutamine 804 with a stop codon.
Molecular consequence: nonsense. On other transcripts: intron variant (137).
Genome position (GRCh38, 1-based): chr17:43,093,121, G>A on the plus strand (C>T on the coding strand, the complement: BRCA1 is on the minus strand). VCF-style: chr17-43093121-G-A. GRCh37 (hg19) VCF-style: chr17-41245138-G-A.
Other names: 2529C>T; c.2197C>T, p.Gln733Ter (NM_001407895.1, NM_001407896.1, NM_001407897.1 and 9 more transcripts); c.2200C>T, p.Gln734Ter (NM_001407900.1, NM_001407902.1, NM_001407904.1 and 13 more transcripts); c.2287C>T, p.Gln763Ter (NM_001407919.1, NM_001407937.1, NM_001407938.1 and 19 more transcripts); c.2146C>T, p.Gln716Ter (NM_001407920.1, NM_001407921.1, NM_001407922.1 and 9 more transcripts); c.2143C>T, p.Gln715Ter (NM_001407930.1, NM_001407931.1, NM_001407932.1 and 2 more transcripts); c.2284C>T, p.Gln762Ter (NM_001407940.1, NM_001407941.1, NM_001407649.1 and 11 more transcripts); c.2269C>T, p.Gln757Ter (NM_001407942.1, NM_001407944.1, NM_001407945.1 and 29 more transcripts); and 42 more; short protein forms Q804*, Q757*, Q508*, Q692*, Q716*, Q756*, Q762*, Q763*.
Identifiers: ClinVar variation 54560 (VCV000054560.5), dbSNP rs80356982, ClinGen allele CA001603.
Genomic context (GRCh38, chr17:43,093,121, plus strand): 5'-TTCTATTATCTTTGGAACAACCATGAATTAGTCCCTTGGGGTTTTCAAATGCTGCACACT[G>A]ACTCACACATTTATTTGGTTCTGTTTTTGCCTTCCCTAGAGTGCTAACTTCCAGTAACGA-3'